The following is an entry in ClinVar:

ClinVar aggregate classification (germline): Conflicting classifications of pathogenicity. Review status: criteria provided, conflicting classifications (1 of 4 stars). 2 submissions from 2 submitters: Likely pathogenic (1); Uncertain significance (1). Last evaluated 2021-11-07.

Conditions:
Mucopolysaccharidosis, MPS-III-A (MPS3A). Also called: mucopolysaccharidosis type 3A; MPS IIIA (Sanfilippo Syndrome Type A); HEPARAN SULFATE SULFATASE DEFICIENCY; MUCOPOLYSACCHARIDOSIS, TYPE IIIA, ATTENUATED; Mucopolysaccharidosis type IIIA (Sanfilippo A); Mucopolysaccharidosis, type IIIA. Identifiers: Orphanet 581, Orphanet 79269, MedGen C0086647, MONDO:0009655, OMIM 252900.

Submissions (2):

Genome-Nilou Lab
Classification: Uncertain significance for Mucopolysaccharidosis, MPS-III-A. Last evaluated: 2021-11-07. Review status: criteria provided, single submitter. Criteria: ACMG Guidelines, 2015. Collection method: clinical testing. Allele origin: germline. Affected: no.

Labcorp Genetics (formerly Invitae), Labcorp
Classification: Likely pathogenic for Mucopolysaccharidosis, MPS-III-A. Last evaluated: 2021-02-25. Review status: criteria provided, single submitter. Criteria: Invitae Variant Classification Sherloc (09022015). Collection method: clinical testing. Allele origin: germline.
Comment: This sequence change replaces serine with arginine at codon 309 of the SGSH protein (p.Ser309Arg). The serine residue is highly conserved and there is a moderate physicochemical difference between serine and arginine. This variant is not present in population databases (ExAC no frequency). This variant has been observed in individual(s) with clinical features of mucopolysaccharidosis type III (Invitae). In at least one individual the data is consistent with the variant being in trans (on the opposite chromosome) from a pathogenic variant. Advanced modeling of protein sequence and biophysical properties (such as structural, functional, and spatial information, amino acid conservation, physicochemical variation, residue mobility, and thermodynamic stability) performed at Invitae indicates that this missense variant is expected to disrupt SGSH protein function. In summary, the currently available evidence indicates that the variant is pathogenic, but additional data are needed to prove that conclusively. Therefore, this variant has been classified as Likely Pathogenic.

NM_000199.5(SGSH):c.927C>G (p.Ser309Arg)

Gene: SGSH (N-sulfoglucosamine sulfohydrolase; minus strand). Cytogenetic location: 17q25.3.
Variant type: single nucleotide variant.
Coding change: c.927C>G on transcript NM_000199.5 (MANE Select); coding-DNA position 927, C replaced by G.
Protein change: p.Ser309Arg; replaces serine 309 with arginine.
Molecular consequence: missense variant. On other transcripts: non-coding transcript variant (1).
Genome position (GRCh38, 1-based): chr17:80,212,093, G>C on the plus strand (C>G on the coding strand, the complement: SGSH is on the minus strand). VCF-style: chr17-80212093-G-C. GRCh37 (hg19) VCF-style: chr17-78185892-G-C.
Other names: c.927C>G, p.Ser309Arg (NM_001352921.3, NM_001352922.2); short protein forms S309R.
Identifiers: ClinVar variation 1038275 (VCV001038275.11), dbSNP rs1385473515, ClinGen allele CA401359648.